The following is an entry in ClinVar:

NM_000321.3(RB1):c.381-11T>C

Gene: RB1 (RB transcriptional corepressor 1; plus strand). Cytogenetic location: 13q14.2.
Variant type: single nucleotide variant.
Coding change: c.381-11T>C on transcript NM_000321.3 (MANE Select); 11 bases into the intron before coding-DNA position 381, T replaced by C.
Molecular consequence: intron variant.
Genome position (GRCh38, 1-based): chr13:48,345,069, T>C. VCF-style: chr13-48345069-T-C. GRCh37 (hg19) VCF-style: chr13-48919205-T-C.
Identifiers: ClinVar variation 1546856 (VCV001546856.11), dbSNP rs756363252, ClinGen allele CA037934.

ClinVar aggregate classification (germline): Benign/Likely benign. Review status: criteria provided, multiple submitters, no conflicts (2 of 4 stars). 4 submissions from 4 submitters: Benign (3); Likely benign (1). Last evaluated 2026-06-23.

Conditions:
Retinoblastoma (RB1). Also called: RETINOBLASTOMA, SOMATIC. Identifiers: Orphanet 790, MedGen C0035335, MeSH D012175, MONDO:0008380, OMIM 180200, HP:0009919. Disease mechanism: loss of function. Inheritance: Both sporadic and heritable forms are tested..

Allele frequency attached by ClinVar (database versions not stated): gnomAD 0.00001; gnomAD exomes 0.00002 and 0.00006; TOPMed below 0.00001; ExAC 0.00002.
gnomAD v4.1: 38 of 1,607,702 alleles (0.0024%); highest among the groups gnomAD compares: East Asian, 0.083%; no homozygotes.

Submissions (4):

Myriad Genetics, Inc.
Classification: Benign for Retinoblastoma. Last evaluated: 2026-06-23. Review status: criteria provided, single submitter. Criteria: Myriad Autosomal Dominant, Autosomal Recessive and X-Linked Classification Criteria (2023). Collection method: clinical testing. Allele origin: unknown.
Comment: This variant is considered benign. This variant is intronic and is not expected to impact mRNA splicing. This variant has been observed at a population frequency that is significantly greater than expected given the associated disease prevalence and penetrance.

Labcorp Genetics (formerly Invitae), Labcorp
Classification: Likely benign for Retinoblastoma. Last evaluated: 2025-07-08. Review status: criteria provided, single submitter. Criteria: Invitae Variant Classification Sherloc (09022015). Collection method: clinical testing. Allele origin: germline.

All of Us Research Program, National Institutes of Health
Classification: Benign for Retinoblastoma. Last evaluated: 2023-11-30. Review status: criteria provided, single submitter. Criteria: ACMG Guidelines, 2015. Collection method: clinical testing. Allele origin: germline. Inheritance: Autosomal dominant inheritance. Observed: 3 variant alleles, 3 heterozygotes.
Comment: This study involves interpretation of variants in research participants for the purpose of population health screening. Participant phenotype was not available at the time of variant classification. Additional details can be found in publication PMID: 35346344, PMCID: PMC8962531

Color Diagnostics, LLC DBA Color Health
Classification: Benign for Retinoblastoma. Last evaluated: 2022-04-26. Review status: criteria provided, single submitter. Criteria: ACMG Guidelines, 2015. Collection method: clinical testing. Allele origin: germline.